The following is an entry in ClinVar:

NM_001101.5(ACTB):c.389C>G (p.Pro130Arg)

Gene: ACTB (actin beta; minus strand). Cytogenetic location: 7p22.1.
Variant type: single nucleotide variant.
Coding change: c.389C>G on transcript NM_001101.5 (MANE Select); coding-DNA position 389, C replaced by G.
Protein change: p.Pro130Arg; replaces proline 130 with arginine.
Molecular consequence: missense variant.
Genome position (GRCh38, 1-based): chr7:5,528,694, G>C on the plus strand (C>G on the coding strand, the complement: ACTB is on the minus strand). VCF-style: chr7-5528694-G-C. GRCh37 (hg19) VCF-style: chr7-5568325-G-C.
Other names: short protein forms P130R.
Identifiers: ClinVar variation 1696947 (VCV001696947.3), dbSNP rs2128241308, ClinGen allele CA366703874.
Genomic context (GRCh38, chr7:5,528,694, plus strand): 5'-CCAGTGGTACGGCCAGAGGCGTACAGGGATAGCACAGCCTGGATAGCAACGTACATGGCT[G>C]GGGTGTTGAAGGTCTCAAACATGATCTGTAAGGCAGAGATACACCATGTCACACTGGGGA-3'
Protein context (NP_001092.1, residues 120-140): TQIMFETFNT[Pro130Arg]AMYVAIQAVL

ClinVar aggregate classification (germline): Uncertain significance (1 of 4 stars; one submission).

Submission:

GeneDx
Classification: Uncertain significance. Last evaluated: 2024-06-03. Review status: criteria provided, single submitter. Criteria: GeneDx Variant Classification Process June 2021. Collection method: clinical testing. Allele origin: germline. Affected: yes.
Comment: Not observed at significant frequency in large population cohorts (gnomAD); Missense variants in this gene are a common cause of disease and they are underrepresented in the general population; In silico analysis supports that this missense variant has a deleterious effect on protein structure/function; Has not been previously published as pathogenic or benign to our knowledge